The following is an entry in ClinVar:

NM_001282933.2(ZNF341):c.122C>T (p.Pro41Leu)

Gene: ZNF341 (zinc finger protein 341; plus strand). Cytogenetic location: 20q11.22.
Variant type: single nucleotide variant.
Coding change: c.122C>T on transcript NM_001282933.2 (MANE Select); coding-DNA position 122, C replaced by T.
Protein change: p.Pro41Leu; replaces proline 41 with leucine.
Molecular consequence: missense variant. On other transcripts: non-coding transcript variant (1).
Genome position (GRCh38, 1-based): chr20:33,740,992, C>T. VCF-style: chr20-33740992-C-T. GRCh37 (hg19) VCF-style: chr20-32328798-C-T.
Other names: c.49C>T, p.Pro17Ser (NM_001282935.2); c.122C>T, p.Pro41Leu (NM_032819.5); short protein forms P17S, P41L.
Identifiers: ClinVar variation 1918359 (VCV001918359.2), dbSNP rs1480678887, ClinGen allele CA408642736.

ClinVar aggregate classification (germline): Uncertain significance (1 of 4 stars; one submission).

Allele frequency attached by ClinVar (database versions not stated): gnomAD exomes below 0.00001; TOPMed 0.00001.
gnomAD v4.1: 1 of 1,614,132 alleles (0.000062%); highest among the groups gnomAD compares: African/African-American, 0.0013%; no homozygotes.

Submission:

Labcorp Genetics (formerly Invitae), Labcorp
Classification: Uncertain significance. Last evaluated: 2022-03-13. Review status: criteria provided, single submitter. Criteria: Invitae Variant Classification Sherloc (09022015). Collection method: clinical testing. Allele origin: germline.
Comment: This sequence change replaces proline, which is neutral and non-polar, with leucine, which is neutral and non-polar, at codon 41 of the ZNF341 protein (p.Pro41Leu). This variant is not present in population databases (gnomAD no frequency). This variant has not been reported in the literature in individuals affected with ZNF341-related conditions. Algorithms developed to predict the effect of missense changes on protein structure and function are either unavailable or do not agree on the potential impact of this missense change (SIFT: "Deleterious"; PolyPhen-2: "Benign"; Align-GVGD: "Class C0"). In summary, the available evidence is currently insufficient to determine the role of this variant in disease. Therefore, it has been classified as a Variant of Uncertain Significance.